The following is an entry in ClinVar:

ClinVar aggregate classification (germline): Conflicting classifications of pathogenicity. Review status: criteria provided, conflicting classifications (1 of 4 stars). 9 submissions from 9 submitters: Uncertain significance (2); Benign (1); Likely benign (3). 3 of the submissions do not count toward it. Last evaluated 2026-01-14.

Conditions:
Dilated cardiomyopathy 1JJ (CMD1JJ). Identifiers: Orphanet 154, MedGen C3808935, MONDO:0014095, OMIM 615235.
Cardiomyopathy (CMYO). Also called: Cardiomyopathies. Identifiers: Orphanet 167848, MedGen C0878544, MONDO:0004994, HP:0001638. Inheritance: Various modes of inheritance.
LAMA4-related disorder. Also called: LAMA4-related condition.
Cardiovascular phenotype. Identifiers: MedGen CN230736.

Allele frequency attached by ClinVar (database versions not stated): 1000 Genomes Project 30x 0.00016; gnomAD 0.00020 and 0.00027; gnomAD exomes 0.00026 and 0.00036; TOPMed 0.00012.
gnomAD v4.1: 425 of 1,613,352 alleles (0.026%); highest among the groups gnomAD compares: South Asian, 0.27%; 1 homozygote.

Submissions (9):

Labcorp Genetics (formerly Invitae), Labcorp
Classification: Likely benign for Dilated cardiomyopathy 1JJ. Last evaluated: 2026-01-14. Review status: criteria provided, single submitter. Criteria: Invitae Variant Classification Sherloc (09022015). Collection method: clinical testing. Allele origin: germline.

GeneDx
Classification: Uncertain significance. Last evaluated: 2024-05-14. Review status: criteria provided, single submitter. Criteria: GeneDx Variant Classification Process June 2021. Collection method: clinical testing. Allele origin: germline. Affected: yes.
Comment: Identified in patients with cardiomyopathy referred for genetic testing at GeneDx and in published literature (PMID: 27532257, 24503780); In silico analysis supports that this missense variant has a deleterious effect on protein structure/function; This variant is associated with the following publications: (PMID: 27532257, 24503780)

Ambry Genetics
Classification: Likely benign for Cardiovascular phenotype. Last evaluated: 2019-11-12. Review status: criteria provided, single submitter. Criteria: Ambry Variant Classification Scheme 2023. Collection method: clinical testing. Allele origin: germline.

CHEO Genetics Diagnostic Laboratory, Children's Hospital of Eastern Ontario
Classification: Benign for Cardiomyopathy. Last evaluated: 2018-07-31. Review status: criteria provided, single submitter. Criteria: ACMG Guidelines, 2015. Collection method: clinical testing. Allele origin: germline.

Genome Diagnostics Laboratory, University Medical Center Utrecht
Classification: Likely benign for Dilated cardiomyopathy 1JJ. Last evaluated: 2017-07-28. Review status: criteria provided, single submitter. Criteria: ACGS Guidelines, 2013. Collection method: clinical testing. Allele origin: germline. Affected: yes. Study: VKGL Data-share Consensus.

Laboratory for Molecular Medicine, Mass General Brigham Personalized Medicine
Classification: Uncertain significance. Last evaluated: 2014-07-21. Review status: criteria provided, single submitter. Criteria: LMM Criteria. Collection method: clinical testing. Allele origin: germline. Observed: 3 variant alleles.
Comment: It was absent from large population studies. Computational prediction tools and conservation analysis do not provide strong support for or against an impact to the protein. In summary, the clinical significance of the Leu1611Phe variant is uncertain.

PreventionGenetics, part of Exact Sciences
Classification: Likely benign for LAMA4-related condition. Last evaluated: 2019-11-27. Review status: no assertion criteria provided. Collection method: clinical testing. Allele origin: germline. Not counted in ClinVar's aggregate classification.
Comment: This variant is classified as likely benign based on ACMG/AMP sequence variant interpretation guidelines (Richards et al. 2015 PMID: 25741868, with internal and published modifications).

Clinical Genetics, Academic Medical Center
Classification: Likely benign. Review status: no assertion criteria provided. Collection method: clinical testing. Allele origin: germline. Affected: yes. Study: VKGL Data-share Consensus. Not counted in ClinVar's aggregate classification.

Joint Genome Diagnostic Labs from Nijmegen and Maastricht, Radboudumc and MUMC+
Classification: Likely benign. Review status: no assertion criteria provided. Collection method: clinical testing. Allele origin: germline. Affected: yes. Study: VKGL Data-share Consensus. Not counted in ClinVar's aggregate classification.

Literature cited by the submitters: PubMed 24503780 (cited by Ambry Genetics); PubMed 27532257 (cited by Ambry Genetics).

NM_001105206.3(LAMA4):c.4852C>T (p.Leu1618Phe)

Gene: LAMA4 (laminin subunit alpha 4; minus strand). Cytogenetic location: 6q21.
Variant type: single nucleotide variant.
Coding change: c.4852C>T on transcript NM_001105206.3 (MANE Select); coding-DNA position 4852, C replaced by T.
Protein change: p.Leu1618Phe; replaces leucine 1618 with phenylalanine.
Molecular consequence: missense variant.
Genome position (GRCh38, 1-based): chr6:112,117,868, G>A on the plus strand (C>T on the coding strand, the complement: LAMA4 is on the minus strand). VCF-style: chr6-112117868-G-A. GRCh37 (hg19) VCF-style: chr6-112439071-G-A.
Other names: c.4831C>T, p.Leu1611Phe (NM_001105207.3, NM_002290.5); short protein forms L1611F, L1618F.
Identifiers: ClinVar variation 44398 (VCV000044398.28), dbSNP rs397516733, ClinGen allele CA134051.